The following is an entry in ClinVar:

NM_001283009.2(RTEL1):c.979G>A (p.Gly327Arg)

Genes: RTEL1 (regulator of telomere elongation helicase 1; plus strand), RTEL1-TNFRSF6B (RTEL1-TNFRSF6B readthrough (NMD candidate); plus strand). Cytogenetic location: 20q13.33.
Variant type: single nucleotide variant.
Coding change: c.979G>A on transcript NM_001283009.2 (MANE Select); coding-DNA position 979, G replaced by A.
Protein change: p.Gly327Arg; replaces glycine 327 with arginine.
Molecular consequence: missense variant. On other transcripts: non-coding transcript variant (1).
Genome position (GRCh38, 1-based): chr20:63,678,288, G>A. VCF-style: chr20-63678288-G-A. GRCh37 (hg19) VCF-style: chr20-62309641-G-A.
Other names: c.310G>A, p.Gly104Arg (NM_001283010.1); c.979G>A, p.Gly327Arg (NM_016434.4); c.1051G>A, p.Gly351Arg (NM_032957.5); short protein forms G104R, G327R, G351R.
Identifiers: ClinVar variation 4863627 (VCV004863627.1).

ClinVar aggregate classification (germline): Uncertain significance (1 of 4 stars; one submission).

Conditions:
Inborn genetic diseases. Identifiers: MedGen C0950123, MeSH D030342.

Submission:

Ambry Genetics
Classification: Uncertain significance for Inborn genetic diseases. Last evaluated: 2026-06-14. Review status: criteria provided, single submitter. Criteria: Ambry Variant Classification Scheme 2023. Collection method: clinical testing. Allele origin: germline.
Comment: The p.G327R variant (also known as c.979G>A), located in coding exon 11 of the RTEL1 gene, results from a G to A substitution at nucleotide position 979. The glycine at codon 327 is replaced by arginine, an amino acid with dissimilar properties. This amino acid position is conserved. In addition, this alteration is predicted to be tolerated by in silico analysis. Based on the available evidence, the clinical significance of this variant remains unclear.